The following is an entry in ClinVar:

NM_182972.3(IRF2BP2):c.1019_1027del (p.Glu340_Asn342del)

Genes: IRF2BP2 (interferon regulatory factor 2 binding protein 2; minus strand), LOC129932810 (ATAC-STARR-seq lymphoblastoid active region 2760; plus strand). Cytogenetic location: 1q42.3.
Variant type: Deletion.
Coding change: c.1019_1027del on transcript NM_182972.3 (MANE Select); coding-DNA positions 1019 to 1027, 9 bases deleted (AGGCCAACG; older notation c.1019_1027delAGGCCAACG).
Protein change: p.Glu340_Asn342del.
Molecular consequence: inframe deletion. On other transcripts: intron variant (1).
Genome position (GRCh38, 1-based): chr1:234,608,468-234,608,476, CGTTGGCCT deleted on the plus strand (AGGCCAACG on the coding strand, the reverse complement: IRF2BP2 is on the minus strand); deleting any 9 consecutive bases within chr1:234,608,468-234,608,478 gives the same sequence; the c. name uses the placement nearest the transcript's 3' end. VCF-style (leftmost placement, unchanged base first): chr1-234608467-CCGTTGGCCT-C. GRCh37 (hg19) VCF-style: chr1-234744213-CCGTTGGCCT-C.
Other names: c.1000+19_1000+27del (NM_001077397.1).
Identifiers: ClinVar variation 3617311 (VCV003617311.2).
Genomic context (GRCh38, chr1:234,608,467, plus strand): 5'-TTTTCTCCCCTAGACCCCCTCACTTCACAGCCGCCCCTACCTGCTTTAGACCCGTTGGCC[CCGTTGGCCT>C]CGAAACCCAACAACCTGCCTGCAGTCAGGGCCGGCTCCTTCTTAAACTTGCTCTCGAAGG-3'

ClinVar aggregate classification (germline): Uncertain significance (1 of 4 stars; one submission).

Submission:

Labcorp Genetics (formerly Invitae), Labcorp
Classification: Uncertain significance. Last evaluated: 2024-04-25. Review status: criteria provided, single submitter. Criteria: Invitae Variant Classification Sherloc (09022015). Collection method: clinical testing. Allele origin: germline.
Comment: This variant, c.1019_1027del, results in the deletion of 3 amino acid(s) of the IRF2BP2 protein (p.Glu340_Asn342del), but otherwise preserves the integrity of the reading frame. This variant is not present in population databases (gnomAD no frequency). This variant has not been reported in the literature in individuals affected with IRF2BP2-related conditions. Experimental studies and prediction algorithms are not available or were not evaluated, and the functional significance of this variant is currently unknown. Algorithms developed to predict the effect of sequence changes on RNA splicing suggest that this variant may disrupt the consensus splice site. In summary, the available evidence is currently insufficient to determine the role of this variant in disease. Therefore, it has been classified as a Variant of Uncertain Significance.